The following is an entry in ClinVar:

NM_001005373.4(LRSAM1):c.361C>T (p.Arg121Cys)

Gene: LRSAM1 (leucine rich repeat and sterile alpha motif containing 1; plus strand). Cytogenetic location: 9q33.3.
Variant type: single nucleotide variant.
Coding change: c.361C>T on transcript NM_001005373.4 (MANE Select); coding-DNA position 361, C replaced by T.
Protein change: p.Arg121Cys; replaces arginine 121 with cysteine.
Molecular consequence: missense variant. On other transcripts: 5 prime UTR variant (1), non-coding transcript variant (2).
Genome position (GRCh38, 1-based): chr9:127,461,212, C>T. VCF-style: chr9-127461212-C-T. GRCh37 (hg19) VCF-style: chr9-130223491-C-T.
Other names: c.361C>T, p.Arg121Cys (NM_001005374.4, NM_001190723.3, NM_001384142.1 and 2 more transcripts); c.-424C>T (NM_001384144.1); c.361C>T (NM_138361.4); short protein forms R121C.
Identifiers: ClinVar variation 2737561 (VCV002737561.6), dbSNP rs141326230, ClinGen allele CA5246518.
Genomic context (GRCh38, chr9:127,461,212, plus strand): 5'-CTGCCTCTTCCTCTTTCTTAGGTCTTAAACGTGGAAAGGAATCAACTGATGCAGCTCCCA[C>T]GTTCCATTGGGAACCTGACCCAGCTCCAGACTCTCAATGTTAAAGGTAGGGACCAAGAAG-3'
Protein context (NP_001005373.1, residues 111-131): VERNQLMQLP[Arg121Cys]SIGNLTQLQT

ClinVar aggregate classification (germline): Uncertain significance. Review status: criteria provided, multiple submitters, no conflicts (2 of 4 stars). 4 submissions from 4 submitters: Uncertain significance (4). Last evaluated 2026-08-14.

Conditions:
LRSAM1-related disorder. Also called: LRSAM1-related condition.
Inborn genetic diseases. Identifiers: MedGen C0950123, MeSH D030342.
Charcot-Marie-Tooth disease axonal type 2P. Also called: CHARCOT-MARIE-TOOTH NEUROPATHY, TYPE 2P; Charcot-Marie-Tooth Neuropathy Type 2G; CHARCOT-MARIE-TOOTH DISEASE, AXONAL, TYPE 2G; CMT 2G. Identifiers: Orphanet 300319, Orphanet 99941, MedGen C3280797, MONDO:0013753, OMIM 614436.

Allele frequency attached by ClinVar (database versions not stated): ESP Exome Variant Server 0.00008; 1000 Genomes Project 30x 0.00016; 1000 Genomes Project 0.00020; ExAC 0.00002; TOPMed 0.00003; gnomAD 0.00004.
gnomAD v4.1: 18 of 1,612,266 alleles (0.0011%); highest among the groups gnomAD compares: African/African-American, 0.0093%; no homozygotes.

Submissions (4):

PreventionGenetics, part of Exact Sciences
Classification: Uncertain significance for LRSAM1-related condition. Last evaluated: 2026-08-14. Review status: criteria provided, single submitter. Criteria: ACMG Guidelines, 2015. Collection method: clinical testing. Allele origin: germline.
Comment: The LRSAM1 c.361C>T variant is predicted to result in the amino acid substitution p.Arg121Cys. To our knowledge, this variant has not been reported in the literature. This variant is reported in 0.016% of alleles in individuals of African descent in gnomAD. At this time, the clinical significance of this variant is uncertain due to the absence of conclusive functional and genetic evidence.

Ambry Genetics
Classification: Uncertain significance for Inborn genetic diseases. Last evaluated: 2025-05-06. Review status: criteria provided, single submitter. Criteria: Ambry Variant Classification Scheme 2023. Collection method: clinical testing. Allele origin: germline.

Labcorp Genetics (formerly Invitae), Labcorp
Classification: Uncertain significance for Charcot-Marie-Tooth disease axonal type 2P. Last evaluated: 2024-05-01. Review status: criteria provided, single submitter. Criteria: Invitae Variant Classification Sherloc (09022015). Collection method: clinical testing. Allele origin: germline.
Comment: This sequence change replaces arginine, which is basic and polar, with cysteine, which is neutral and slightly polar, at codon 121 of the LRSAM1 protein (p.Arg121Cys). This variant is present in population databases (rs141326230, gnomAD 0.02%). This variant has not been reported in the literature in individuals affected with LRSAM1-related conditions. Advanced modeling of protein sequence and biophysical properties (such as structural, functional, and spatial information, amino acid conservation, physicochemical variation, residue mobility, and thermodynamic stability) performed at Invitae indicates that this missense variant is not expected to disrupt LRSAM1 protein function with a negative predictive value of 80%. In summary, the available evidence is currently insufficient to determine the role of this variant in disease. Therefore, it has been classified as a Variant of Uncertain Significance.

Blueprint Genetics
Classification: Uncertain significance. Last evaluated: 2023-07-27. Review status: criteria provided, single submitter. Criteria: ACMG Guidelines, 2015. Collection method: clinical testing. Allele origin: germline.